The following is an entry in ClinVar:

NM_001020658.2(PUM1):c.3325G>A (p.Gly1109Ser)

Gene: PUM1 (pumilio RNA binding family member 1; minus strand). Cytogenetic location: 1p35.2.
Variant type: single nucleotide variant.
Coding change: c.3325G>A on transcript NM_001020658.2 (MANE Select); coding-DNA position 3325, G replaced by A.
Protein change: p.Gly1109Ser; replaces glycine 1109 with serine.
Molecular consequence: missense variant.
Genome position (GRCh38, 1-based): chr1:30,936,753, C>T on the plus strand (G>A on the coding strand, the complement: PUM1 is on the minus strand). VCF-style: chr1-30936753-C-T. GRCh37 (hg19) VCF-style: chr1-31409600-C-T.
Other names: c.3319G>A, p.Gly1107Ser (NM_014676.3); short protein forms G1107S, G1109S.
Identifiers: ClinVar variation 2446189 (VCV002446189.1), dbSNP rs2521277719, ClinGen allele CA339560482.
Genomic context (GRCh38, chr1:30,936,753, plus strand): 5'-TCTGGACCACGTAGTTGGCATACTGGTCCTTCATCATGGTGTATAAGGCACTGTGGGGAC[C>T]GTCGTTCATGGTGCACACCTCATCGATGAGCACAGCGCGCTCCGTACGTGAGGCGTGAGT-3'
Protein context (NP_001018494.1, residues 1099-1119): LIDEVCTMND[Gly1109Ser]PHSALYTMMK

ClinVar aggregate classification (germline): Uncertain significance (1 of 4 stars; one submission).

Allele frequency attached by ClinVar (database versions not stated): gnomAD exomes below 0.00001.
gnomAD v4.1: 5 of 1,614,004 alleles (0.00031%); highest among the groups gnomAD compares: Non-Finnish European, 0.00042%; no homozygotes.

Submission:

GeneDx
Classification: Uncertain significance. Last evaluated: 2022-09-26. Review status: criteria provided, single submitter. Criteria: GeneDx Variant Classification Process June 2021. Collection method: clinical testing. Allele origin: germline. Affected: yes.
Comment: Not observed at significant frequency in large population cohorts (gnomAD); In silico analysis supports that this missense variant has a deleterious effect on protein structure/function; Has not been previously published as pathogenic or benign to our knowledge